The following is an entry in ClinVar:

ClinVar aggregate classification (germline): Uncertain significance (1 of 4 stars; one submission).

Allele frequency attached by ClinVar (database versions not stated): gnomAD exomes 0.00002 and 0.00005; ExAC 0.00008; TOPMed 0.00014; 1000 Genomes Project 30x 0.00016; gnomAD 0.00016 and 0.00018; 1000 Genomes Project 0.00020; ESP Exome Variant Server 0.00023.
gnomAD v4.1: 58 of 1,613,712 alleles (0.0036%); highest among the groups gnomAD compares: African/African-American, 0.053%; no homozygotes.

Submission:

Labcorp Genetics (formerly Invitae), Labcorp
Classification: Uncertain significance. Last evaluated: 2024-10-08. Review status: criteria provided, single submitter. Criteria: Invitae Variant Classification Sherloc (09022015). Collection method: clinical testing. Allele origin: germline.
Comment: This sequence change replaces arginine, which is basic and polar, with glutamine, which is neutral and polar, at codon 236 of the EXOSC2 protein (p.Arg236Gln). This variant is present in population databases (rs143707199, gnomAD 0.06%). This missense change has been observed in individual(s) with EXOSC2-related conditions (PMID: 36344539). ClinVar contains an entry for this variant (Variation ID: 955553). Invitae Evidence Modeling of protein sequence and biophysical properties (such as structural, functional, and spatial information, amino acid conservation, physicochemical variation, residue mobility, and thermodynamic stability) indicates that this missense variant is expected to disrupt EXOSC2 protein function with a positive predictive value of 80%. In summary, the available evidence is currently insufficient to determine the role of this variant in disease. Therefore, it has been classified as a Variant of Uncertain Significance.

Literature cited by the submitters: PubMed 36344539.

NM_014285.7(EXOSC2):c.707G>A (p.Arg236Gln)

Gene: EXOSC2 (exosome component 2; plus strand). Cytogenetic location: 9q34.12.
Variant type: single nucleotide variant.
Coding change: c.707G>A on transcript NM_014285.7 (MANE Select); coding-DNA position 707, G replaced by A.
Protein change: p.Arg236Gln; replaces arginine 236 with glutamine.
Molecular consequence: missense variant. On other transcripts: non-coding transcript variant (1).
Genome position (GRCh38, 1-based): chr9:130,703,087, G>A. VCF-style: chr9-130703087-G-A. GRCh37 (hg19) VCF-style: chr9-133578474-G-A.
Other names: c.629G>A, p.Arg210Gln (NM_001282708.1); c.617G>A, p.Arg206Gln (NM_001282709.1); short protein forms R210Q, R206Q, R236Q.
Identifiers: ClinVar variation 955553 (VCV000955553.9), dbSNP rs143707199, ClinGen allele CA5284965.